The following is an entry in ClinVar:

ClinVar aggregate classification (germline): Likely benign (1 of 4 stars; one submission).

gnomAD v4.1: 1 of 1,614,162 alleles (0.000062%); highest among the groups gnomAD compares: Admixed American, 0.0017%; no homozygotes.

Submission:

CeGaT Center for Human Genetics Tuebingen
Classification: Likely benign. Last evaluated: 2026-02-01. Review status: criteria provided, single submitter. Criteria: CeGaT Center For Human Genetics Tuebingen Variant Classification Criteria Version 2. Collection method: clinical testing. Allele origin: germline. Affected: yes. Observed: 1 variant allele.
Comment: UBAP2L: BP4, BP7

NM_014847.4(UBAP2L):c.2943C>A (p.Ile981=)

Gene: UBAP2L (ubiquitin associated protein 2 like; plus strand). Cytogenetic location: 1q21.3.
Variant type: single nucleotide variant.
Coding change: c.2943C>A on transcript NM_014847.4 (MANE Select); coding-DNA position 2943, C replaced by A.
Protein change: p.Ile981=; no amino-acid change (isoleucine 981 retained).
Molecular consequence: synonymous variant.
Genome position (GRCh38, 1-based): chr1:154,266,541, C>A. VCF-style: chr1-154266541-C-A. GRCh37 (hg19) VCF-style: chr1-154239017-C-A.
Other names: c.2976C>A, p.Ile992= (NM_001287816.1, NM_001330730.1, NM_001375612.1 and 2 more transcripts); c.2943C>A, p.Ile981= (NM_001375614.1, NM_001375615.1, NM_001375616.1 and 10 more transcripts).
Identifiers: ClinVar variation 4823417 (VCV004823417.4).